The following is an entry in ClinVar:

ClinVar aggregate classification (germline): Likely benign (1 of 4 stars; one submission).

Allele frequency attached by ClinVar (database versions not stated): ExAC 0.00009; gnomAD 0.00013; TOPMed 0.00014; gnomAD exomes 0.00017.
gnomAD v4.1: 255 of 1,551,294 alleles (0.016%); highest among the groups gnomAD compares: Non-Finnish European, 0.021%; no homozygotes.

Submission:

CeGaT Center for Human Genetics Tuebingen
Classification: Likely benign. Last evaluated: 2023-09-01. Review status: criteria provided, single submitter. Criteria: CeGaT Center For Human Genetics Tuebingen Variant Classification Criteria Version 2. Collection method: clinical testing. Allele origin: germline. Affected: yes. Observed: 1 variant allele.
Comment: TBXA2R: BS2

NM_001060.6(TBXA2R):c.*28C>T

Gene: TBXA2R (thromboxane A2 receptor; minus strand). Cytogenetic location: 19p13.3.
Variant type: single nucleotide variant.
Coding change: c.*28C>T on transcript NM_001060.6 (MANE Select); 28 bases downstream of the stop codon, C replaced by T.
Molecular consequence: 3 prime UTR variant. On other transcripts: intron variant (1).
Genome position (GRCh38, 1-based): chr19:3,595,660, G>A on the plus strand (C>T on the coding strand, the complement: TBXA2R is on the minus strand). VCF-style: chr19-3595660-G-A. GRCh37 (hg19) VCF-style: chr19-3595658-G-A.
Other names: c.983+77C>T (NM_201636.3).
Identifiers: ClinVar variation 2582965 (VCV002582965.25), dbSNP rs200113619, ClinGen allele CA9080696.